The following is an entry in ClinVar:

NM_000218.3(KCNQ1):c.1514+32412C>T

Genes: KCNQ1 (potassium voltage-gated channel subfamily Q member 1; plus strand), KCNQ1OT1 (KCNQ1 opposite strand/antisense transcript 1; minus strand). Cytogenetic location: 11p15.5.
Variant type: single nucleotide variant.
Coding change: c.1514+32412C>T on transcript NM_000218.3 (MANE Select); 32412 bases into the intron after coding-DNA position 1514, C replaced by T.
Molecular consequence: intron variant.
Genome position (GRCh38, 1-based): chr11:2,694,493, C>T. VCF-style: chr11-2694493-C-T. GRCh37 (hg19) VCF-style: chr11-2715723-C-T.
Other names: c.1244+32412C>T (NM_001406837.1); c.1418+32412C>T (NM_001406836.1); c.974+32412C>T (NM_001406838.1); c.1133+32412C>T (NM_181798.2).
Identifiers: ClinVar variation 1879194 (VCV001879194.29), dbSNP rs187504549, ClinGen allele CA216194932.

ClinVar aggregate classification (germline): Benign (1 of 4 stars; one submission).

Allele frequency attached by ClinVar (database versions not stated): 1000 Genomes Project 30x 0.00094; 1000 Genomes Project 0.00100; gnomAD 0.00153; gnomAD exomes 0.00168; TOPMed 0.00198.
gnomAD v4.1: 692 of 398,632 alleles (0.17%); highest among the groups gnomAD compares: Middle Eastern, 1.7%; 4 homozygotes.

Submission:

CeGaT Center for Human Genetics Tuebingen
Classification: Benign. Last evaluated: 2026-10-01. Review status: criteria provided, single submitter. Criteria: CeGaT Center For Human Genetics Tuebingen Variant Classification Criteria Version 2. Collection method: clinical testing. Allele origin: germline. Affected: yes. Observed: 45 variant alleles.
Comment: KCNQ1OT1: BS1, BS2